The following is an entry in ClinVar:

ClinVar aggregate classification (germline): Likely pathogenic (1 of 4 stars; one submission).

Conditions:
Brain small vessel disease 1 with or without ocular anomalies (BSVD1). Also called: PORENCEPHALY, TYPE 1, AUTOSOMAL DOMINANT; BRAIN SMALL VESSEL DISEASE WITH HEMORRHAGE; Brain small vessel disease with or without ocular anomalies; GOULD SYNDROME 1. Identifiers: Orphanet 2940, Orphanet 36383, Orphanet 99810, MedGen C4755307, MONDO:0008289, OMIM 175780.

Submission:

Bruce Lefroy Centre, Murdoch Childrens Research Institute
Classification: Likely pathogenic for Brain small vessel disease 1 with or without ocular anomalies. Last evaluated: 2020-01-01. Review status: criteria provided, single submitter. Criteria: ACMG Guidelines, 2015. Collection method: research. Allele origin: de novo. Inheritance: Autosomal dominant inheritance. Affected: yes. Observed: 1 variant allele, 1 heterozygote.
Comment: PM2, PM5, PM6

NM_001845.6(COL4A1):c.2842G>C (p.Gly948Arg)

Gene: COL4A1 (collagen type IV alpha 1 chain; minus strand). Cytogenetic location: 13q34.
Variant type: single nucleotide variant.
Coding change: c.2842G>C on transcript NM_001845.6 (MANE Select); coding-DNA position 2842, G replaced by C.
Protein change: p.Gly948Arg; replaces glycine 948 with arginine.
Molecular consequence: missense variant.
Genome position (GRCh38, 1-based): chr13:110,176,912, C>G on the plus strand (G>C on the coding strand, the complement: COL4A1 is on the minus strand). VCF-style: chr13-110176912-C-G. GRCh37 (hg19) VCF-style: chr13-110829259-C-G.
Other names: short protein forms G948R.
Identifiers: ClinVar variation 864857 (VCV000864857.4), dbSNP rs1555303073, ClinGen allele CA388666798.